The following is an entry in ClinVar:

NM_000245.4(MET):c.119A>T (p.Lys40Met)

Gene: MET (MET proto-oncogene, receptor tyrosine kinase; plus strand). Cytogenetic location: 7q31.2.
Variant type: single nucleotide variant.
Coding change: c.119A>T on transcript NM_000245.4 (MANE Select); coding-DNA position 119, A replaced by T.
Protein change: p.Lys40Met; replaces lysine 40 with methionine.
Molecular consequence: missense variant. On other transcripts: intron variant (1).
Genome position (GRCh38, 1-based): chr7:116,699,203, A>T. VCF-style: chr7-116699203-A-T. GRCh37 (hg19) VCF-style: chr7-116339257-A-T.
Other names: c.119A>T, p.Lys40Met (NM_001127500.3, NM_001324401.3); c.-91+26626A>T (NM_001324402.2); short protein forms K40M.
Identifiers: ClinVar variation 818558 (VCV000818558.11), dbSNP rs1210616219, ClinGen allele CA368968384.

ClinVar aggregate classification (germline): Conflicting classifications of pathogenicity. Review status: criteria provided, conflicting classifications (1 of 4 stars). 3 submissions from 3 submitters: Uncertain significance (2); Likely benign (1). Last evaluated 2024-09-12.

Conditions:
Renal cell carcinoma. Identifiers: Orphanet 217071, MedGen C0007134, MeSH D002292, MONDO:0005086, HP:0005584.
Hereditary cancer-predisposing syndrome. Also called: Tumor predisposition; Hereditary neoplastic syndrome; Neoplastic Syndromes, Hereditary; Hereditary Cancer Syndrome. Identifiers: Orphanet 140162, MedGen C0027672, MeSH D009386, MONDO:0015356.

Allele frequency attached by ClinVar (database versions not stated): gnomAD exomes below 0.00001.
gnomAD v4.1: 5 of 1,613,966 alleles (0.00031%); highest among the groups gnomAD compares: South Asian, 0.0055%; no homozygotes.

Submissions (3):

Ambry Genetics
Classification: Likely benign for Hereditary cancer-predisposing syndrome. Last evaluated: 2024-09-12. Review status: criteria provided, single submitter. Criteria: Ambry Variant Classification Scheme 2023. Collection method: clinical testing. Allele origin: germline.

Labcorp Genetics (formerly Invitae), Labcorp
Classification: Uncertain significance for Renal cell carcinoma. Last evaluated: 2024-09-03. Review status: criteria provided, single submitter. Criteria: Invitae Variant Classification Sherloc (09022015). Collection method: clinical testing. Allele origin: germline.
Comment: This sequence change replaces lysine, which is basic and polar, with methionine, which is neutral and non-polar, at codon 40 of the MET protein (p.Lys40Met). This variant is present in population databases (no rsID available, gnomAD 0.003%). This variant has not been reported in the literature in individuals affected with MET-related conditions. ClinVar contains an entry for this variant (Variation ID: 818558). Invitae Evidence Modeling of protein sequence and biophysical properties (such as structural, functional, and spatial information, amino acid conservation, physicochemical variation, residue mobility, and thermodynamic stability) indicates that this missense variant is not expected to disrupt MET protein function with a negative predictive value of 80%. In summary, the available evidence is currently insufficient to determine the role of this variant in disease. Therefore, it has been classified as a Variant of Uncertain Significance.

GeneDx
Classification: Uncertain significance. Last evaluated: 2022-12-15. Review status: criteria provided, single submitter. Criteria: GeneDx Variant Classification Process June 2021. Collection method: clinical testing. Allele origin: germline. Affected: yes.
Comment: Not observed at significant frequency in large population cohorts (gnomAD); In silico analysis supports that this missense variant has a deleterious effect on protein structure/function; Has not been previously published as pathogenic or benign to our knowledge